The following is an entry in ClinVar:

ClinVar aggregate classification (germline): Uncertain significance (1 of 4 stars; one submission).

Conditions:
Neuroblastoma, susceptibility to, 3. Also called: ALK-Related Neuroblastic Tumor Susceptibility. Identifiers: Orphanet 635, MedGen C2751681, MONDO:0013083, OMIM 613014.

Submission:

Labcorp Genetics (formerly Invitae), Labcorp
Classification: Uncertain significance for Neuroblastoma, susceptibility to, 3. Last evaluated: 2023-07-17. Review status: criteria provided, single submitter. Criteria: Invitae Variant Classification Sherloc (09022015). Collection method: clinical testing. Allele origin: germline.
Comment: In summary, the available evidence is currently insufficient to determine the role of this variant in disease. Therefore, it has been classified as a Variant of Uncertain Significance. An algorithm developed to predict the effect of missense changes on protein structure and function (PolyPhen-2) suggests that this variant is likely to be disruptive. ClinVar contains an entry for this variant (Variation ID: 838224). This variant has not been reported in the literature in individuals affected with ALK-related conditions. This variant is not present in population databases (gnomAD no frequency). This sequence change replaces alanine, which is neutral and non-polar, with aspartic acid, which is acidic and polar, at codon 909 of the ALK protein (p.Ala909Asp).

NM_004304.5(ALK):c.2726C>A (p.Ala909Asp)

Gene: ALK (ALK receptor tyrosine kinase; minus strand). Cytogenetic location: 2p23.2.
Variant type: single nucleotide variant.
Coding change: c.2726C>A on transcript NM_004304.5 (MANE Select); coding-DNA position 2726, C replaced by A.
Protein change: p.Ala909Asp; replaces alanine 909 with aspartic acid.
Molecular consequence: missense variant.
Genome position (GRCh38, 1-based): chr2:29,228,973, G>T on the plus strand (C>A on the coding strand, the complement: ALK is on the minus strand). VCF-style: chr2-29228973-G-T. GRCh37 (hg19) VCF-style: chr2-29451839-G-T.
Other names: short protein forms A909D.
Identifiers: ClinVar variation 838224 (VCV000838224.9), dbSNP rs1664101854, ClinGen allele CA346469816.